The following is an entry in ClinVar:

NM_001360016.2(G6PD):c.836C>T (p.Thr279Ile)

Gene: G6PD (glucose-6-phosphate dehydrogenase; minus strand). Cytogenetic location: Xq28.
Variant type: single nucleotide variant.
Coding change: c.836C>T on transcript NM_001360016.2 (MANE Select); coding-DNA position 836, C replaced by T.
Protein change: p.Thr279Ile; replaces threonine 279 with isoleucine.
Molecular consequence: missense variant.
Genome position (GRCh38, 1-based): chrX:154,533,604, G>A on the plus strand (C>T on the coding strand, the complement: G6PD is on the minus strand). VCF-style: chrX-154533604-G-A. GRCh37 (hg19) VCF-style: chrX-153761819-G-A.
Other names: c.836C>T, p.Thr279Ile (NM_001042351.3); c.926C>T, p.Thr309Ile (NM_000402.4); short protein forms T309I, T279I.
Identifiers: ClinVar variation 3691575 (VCV003691575.2).

ClinVar aggregate classification (germline): Uncertain significance (1 of 4 stars; one submission).

Conditions:
Anemia, nonspherocytic hemolytic, due to G6PD deficiency (CNSHA1). Also called: Hemolytic anemia due to G6PD deficiency; Class I glucose-6-phosphate dehydrogenase deficiency; Favism, susceptibility to; ANEMIA, CONGENITAL, NONSPHEROCYTIC HEMOLYTIC, 1. Identifiers: Orphanet 466026, MedGen C2720289, MONDO:0010480, OMIM 300908.

Submission:

Labcorp Genetics (formerly Invitae), Labcorp
Classification: Uncertain significance for Anemia, nonspherocytic hemolytic, due to G6PD deficiency. Last evaluated: 2024-07-23. Review status: criteria provided, single submitter. Criteria: Invitae Variant Classification Sherloc (09022015). Collection method: clinical testing. Allele origin: germline.
Comment: This sequence change replaces threonine, which is neutral and polar, with isoleucine, which is neutral and non-polar, at codon 279 of the G6PD protein (p.Thr279Ile). This variant is not present in population databases (gnomAD no frequency). This variant has not been reported in the literature in individuals affected with G6PD-related conditions. Advanced modeling of protein sequence and biophysical properties (such as structural, functional, and spatial information, amino acid conservation, physicochemical variation, residue mobility, and thermodynamic stability) has been performed at Invitae for this missense variant, however the output from this modeling did not meet the statistical confidence thresholds required to predict the impact of this variant on G6PD protein function. This variant disrupts the p.Thr279 amino acid residue in G6PD. Other variant(s) that disrupt this residue have been determined to be pathogenic (PMID: 1459579, 20203002, 27495838). This suggests that this residue is clinically significant, and that variants that disrupt this residue are likely to be disease-causing. In summary, the available evidence is currently insufficient to determine the role of this variant in disease. Therefore, it has been classified as a Variant of Uncertain Significance.

Literature cited by the submitters: PubMed 1459579; PubMed 20203002; PubMed 27495838.